The following is an entry in ClinVar:

NM_004281.4(BAG3):c.377C>T (p.Ala126Val)

Gene: BAG3 (BAG cochaperone 3; plus strand). Cytogenetic location: 10q26.11.
Variant type: single nucleotide variant.
Coding change: c.377C>T on transcript NM_004281.4 (MANE Select); coding-DNA position 377, C replaced by T.
Protein change: p.Ala126Val; replaces alanine 126 with valine.
Molecular consequence: missense variant.
Genome position (GRCh38, 1-based): chr10:119,670,047, C>T. VCF-style: chr10-119670047-C-T. GRCh37 (hg19) VCF-style: chr10-121429559-C-T.
Other names: short protein forms A126V.
Identifiers: ClinVar variation 1016103 (VCV001016103.6), dbSNP rs1847125430, ClinGen allele CA378294972.

ClinVar aggregate classification (germline): Uncertain significance. Review status: criteria provided, multiple submitters, no conflicts (2 of 4 stars). 2 submissions from 2 submitters: Uncertain significance (2). Last evaluated 2024-11-12.

Conditions:
Dilated cardiomyopathy 1HH (CMD1HH). Identifiers: Orphanet 154, MedGen C3151293, MONDO:0013479, OMIM 613881.
Myofibrillar myopathy 6. Identifiers: Orphanet 199340, MedGen C2751831, MONDO:0013061, OMIM 612954.

Allele frequency attached by ClinVar (database versions not stated): gnomAD below 0.00001 and 0.00001; gnomAD exomes 0.00001.
gnomAD v4.1: 10 of 1,614,098 alleles (0.00062%); highest among the groups gnomAD compares: East Asian, 0.0045%; no homozygotes.

Submissions (2):

Labcorp Genetics (formerly Invitae), Labcorp
Classification: Uncertain significance for Dilated cardiomyopathy 1HH; Myofibrillar myopathy 6. Last evaluated: 2024-11-12. Review status: criteria provided, single submitter. Criteria: Invitae Variant Classification Sherloc (09022015). Collection method: clinical testing. Allele origin: germline.
Comment: This sequence change replaces alanine, which is neutral and non-polar, with valine, which is neutral and non-polar, at codon 126 of the BAG3 protein (p.Ala126Val). This variant is not present in population databases (gnomAD no frequency). This variant has not been reported in the literature in individuals affected with BAG3-related conditions. ClinVar contains an entry for this variant (Variation ID: 1016103). Invitae Evidence Modeling of protein sequence and biophysical properties (such as structural, functional, and spatial information, amino acid conservation, physicochemical variation, residue mobility, and thermodynamic stability) indicates that this missense variant is not expected to disrupt BAG3 protein function with a negative predictive value of 80%. In summary, the available evidence is currently insufficient to determine the role of this variant in disease. Therefore, it has been classified as a Variant of Uncertain Significance.

Neuberg Centre For Genomic Medicine, NCGM
Classification: Uncertain significance for Myofibrillar myopathy 6. Last evaluated: 2024-02-01. Review status: criteria provided, single submitter. Criteria: ACMG Guidelines, 2015. Collection method: clinical testing. Allele origin: germline. Inheritance: Autosomal dominant inheritance.
Comment: The amino acid Ala at position 126 is changed to a Val changing protein sequence and it might alter its composition and physico-chemical properties. For these reasons, this variant has been classified as Uncertain Significance.